The following is an entry in ClinVar:

ClinVar aggregate classification (germline): Pathogenic (1 of 4 stars; one submission).

Conditions:
Retinoblastoma (RB1). Also called: RETINOBLASTOMA, SOMATIC. Identifiers: Orphanet 790, MedGen C0035335, MeSH D012175, MONDO:0008380, OMIM 180200, HP:0009919. Disease mechanism: loss of function. Inheritance: Both sporadic and heritable forms are tested..

Submission:

Genetic Diagnostic Laboratory, University of Pennsylvania School of Medicine
Classification: Pathogenic for Retinoblastoma. Last evaluated: 2024-05-20. Review status: criteria provided, single submitter. Criteria: ACMG Guidelines, 2015. Collection method: clinical testing. Allele origin: germline. Affected: yes. Observed: 1 variant allele.
Comment: Case and Pedigree Information: BILATERAL CASES:1, UNILATERAL CASES:0, TOTAL CASES:1, PEDIGREES:1. ACMG Codes Applied:PVS1, PM2

NM_000321.3(RB1):c.2184C>A (p.Tyr728Ter)

Gene: RB1 (RB transcriptional corepressor 1; plus strand). Cytogenetic location: 13q14.2.
Variant type: single nucleotide variant.
Coding change: c.2184C>A on transcript NM_000321.3 (MANE Select); coding-DNA position 2184, C replaced by A.
Protein change: p.Tyr728Ter; replaces tyrosine 728 with a stop codon.
Molecular consequence: nonsense.
Genome position (GRCh38, 1-based): chr13:48,463,808, C>A. VCF-style: chr13-48463808-C-A. GRCh37 (hg19) VCF-style: chr13-49037944-C-A.
Other names: c.2184C>A, p.Tyr728Ter (NM_001407165.1); short protein forms Y728*.
Identifiers: ClinVar variation 3237074 (VCV003237074.1), dbSNP rs2138342583.